The following is an entry in ClinVar:

NM_001134363.3(RBM20):c.739C>T (p.Gln247Ter)

Gene: RBM20 (RNA binding motif protein 20; plus strand). Cytogenetic location: 10q25.2.
Variant type: single nucleotide variant.
Coding change: c.739C>T on transcript NM_001134363.3 (MANE Select); coding-DNA position 739, C replaced by T.
Protein change: p.Gln247Ter; replaces glutamine 247 with a stop codon.
Molecular consequence: nonsense.
Genome position (GRCh38, 1-based): chr10:110,781,348, C>T. VCF-style: chr10-110781348-C-T. GRCh37 (hg19) VCF-style: chr10-112541106-C-T.
Other names: short protein forms Q247*.
Identifiers: ClinVar variation 4762903 (VCV004762903.1).

ClinVar aggregate classification (germline): Pathogenic (1 of 4 stars; one submission).

Conditions:
Dilated cardiomyopathy 1DD (CMD1DD). Identifiers: Orphanet 154, MedGen C2750995, MONDO:0013168, OMIM 613172.

Submission:

Labcorp Genetics (formerly Invitae), Labcorp
Classification: Pathogenic for Dilated cardiomyopathy 1DD. Last evaluated: 2025-12-08. Review status: criteria provided, single submitter. Criteria: Invitae Variant Classification Sherloc (09022015). Collection method: clinical testing. Allele origin: germline.
Comment: This sequence change creates a premature translational stop signal (p.Gln247*) in the RBM20 gene. It is expected to result in an absent or disrupted protein product. Loss-of-function variants in RBM20 are known to be pathogenic (PMID: 20590677, 22004663, 38288598, 38510713, 40339755). This variant is not present in population databases (gnomAD no frequency). This variant has not been reported in the literature in individuals affected with RBM20-related conditions. For these reasons, this variant has been classified as Pathogenic.

Literature cited by the submitters: PubMed 20590677; PubMed 22004663; PubMed 38288598; PubMed 38510713; PubMed 40339755.